The following is an entry in ClinVar:

ClinVar aggregate classification (germline): Uncertain significance (1 of 4 stars; one submission).

Allele frequency attached by ClinVar (database versions not stated): gnomAD 0.00001; TOPMed 0.00001.
gnomAD v4.1: 9 of 1,613,654 alleles (0.00056%); highest among the groups gnomAD compares: East Asian, 0.0022%; no homozygotes.

Submission:

Labcorp Genetics (formerly Invitae), Labcorp
Classification: Uncertain significance. Last evaluated: 2022-07-05. Review status: criteria provided, single submitter. Criteria: Invitae Variant Classification Sherloc (09022015). Collection method: clinical testing. Allele origin: germline.
Comment: Algorithms developed to predict the effect of missense changes on protein structure and function are either unavailable or do not agree on the potential impact of this missense change (SIFT: "Deleterious"; PolyPhen-2: "Probably Damaging"; Align-GVGD: "Class C0"). ClinVar contains an entry for this variant (Variation ID: 1492070). This variant has not been reported in the literature in individuals affected with GTPBP3-related conditions. This variant is present in population databases (no rsID available, gnomAD 0.0009%). This sequence change replaces arginine, which is basic and polar, with cysteine, which is neutral and slightly polar, at codon 274 of the GTPBP3 protein (p.Arg274Cys). Algorithms developed to predict the effect of sequence changes on RNA splicing suggest that this variant may create or strengthen a splice site. In summary, the available evidence is currently insufficient to determine the role of this variant in disease. Therefore, it has been classified as a Variant of Uncertain Significance.

NM_032620.4(GTPBP3):c.724C>T (p.Arg242Cys)

Gene: GTPBP3 (GTP binding protein 3, mitochondrial; plus strand). Cytogenetic location: 19p13.11.
Variant type: single nucleotide variant.
Coding change: c.724C>T on transcript NM_032620.4 (MANE Select); coding-DNA position 724, C replaced by T.
Protein change: p.Arg242Cys; replaces arginine 242 with cysteine.
Molecular consequence: missense variant.
Genome position (GRCh38, 1-based): chr19:17,339,182, C>T. VCF-style: chr19-17339182-C-T. GRCh37 (hg19) VCF-style: chr19-17449991-C-T.
Other names: c.724C>T, p.Arg242Cys (NM_001128855.3); c.790C>T, p.Arg264Cys (NM_001195422.1); c.820C>T, p.Arg274Cys (NM_133644.4); short protein forms R242C, R264C, R274C.
Identifiers: ClinVar variation 1492070 (VCV001492070.6), dbSNP rs754248289, ClinGen allele CA404736719.